The following is an entry in ClinVar:

NM_020320.5(RARS2):c.1651-2A>G

Gene: RARS2 (arginyl-tRNA synthetase 2, mitochondrial; minus strand). Cytogenetic location: 6q15.
Variant type: single nucleotide variant.
Coding change: c.1651-2A>G on transcript NM_020320.5 (MANE Select); the canonical splice acceptor site of the intron before coding-DNA position 1651, A replaced by G.
Molecular consequence: splice acceptor variant.
Genome position (GRCh38, 1-based): chr6:87,514,501, T>C on the plus strand (A>G on the coding strand, the complement: RARS2 is on the minus strand). VCF-style: chr6-87514501-T-C. GRCh37 (hg19) VCF-style: chr6-88224219-T-C.
Other names: c.1651-2A>G (NM_001350505.2, NM_020320.4); c.1126-2A>G (NM_001350509.2, NM_001318785.2, NM_001350506.2 and 4 more transcripts).
Identifiers: ClinVar variation 3240275 (VCV003240275.3), dbSNP rs2482925700.

ClinVar aggregate classification (germline): Pathogenic/Likely pathogenic. Review status: criteria provided, multiple submitters, no conflicts (2 of 4 stars). 3 submissions from 3 submitters: Pathogenic (1); Likely pathogenic (2). Last evaluated 2026-01-24.

Conditions:
Pontocerebellar hypoplasia type 6 (PCH6). Identifiers: Orphanet 166073, MedGen C1969084, MONDO:0012683, OMIM 611523.

Allele frequency attached by ClinVar (database versions not stated): gnomAD exomes 0.00001.
gnomAD v4.1: 13 of 1,606,350 alleles (0.00081%); highest among the groups gnomAD compares: Non-Finnish European, 0.0011%; no homozygotes.

Submissions (3):

Myriad Genetics, Inc.
Classification: Likely pathogenic for Pontocerebellar hypoplasia type 6. Last evaluated: 2026-01-24. Review status: criteria provided, single submitter. Criteria: Myriad Autosomal Dominant, Autosomal Recessive and X-Linked Classification Criteria (2023). Collection method: clinical testing. Allele origin: unknown.
Comment: NM_020320.3(RARS2):c.1651-2A>G is a variant in a canonical splice site classified as likely pathogenic in the context of pontocerebellar hypoplasia, RARS2-related. c.1651-2A>G has been observed in a case with relevant disease (PMID: 24047924). Relevant functional assessments of this variant are not available in the literature. Internal structural analysis of the variant is supportive of pathogenicity. c.1651-2A>G has not been observed in referenced population frequency databases. In summary, NM_020320.3(RARS2):c.1651-2A>G is a variant in a canonical splice site that has internal structural support for pathogenicity and has been observed more frequently in cases with the relevant disease than in healthy populations. Please note: this variant was assessed in the context of healthy population screening.

Natera, Inc.
Classification: Likely pathogenic for Pontocerebellar hypoplasia, type 6. Last evaluated: 2025-01-22. Review status: criteria provided, single submitter. Criteria: Natera Variant Classification Schema (03/2026). Collection method: clinical testing. Allele origin: germline.
Comment: The c.1651-2A>G variant in RARS2 is a canonical splice acceptor site variant predicted to affect pre-mRNA splicing, which may result in an abnormal transcript and altered protein product. This variant may result in a truncated or dysfunctional protein product. This variant is rare in the general population with a frequency below the threshold expected for the associated phenotype(s). This variant has been observed in one or more individuals affected with the associated recessive disease, as either homozygous or compound heterozygous with a second variant (PMID: 24047924). Additionally, this variant has been observed to segregate in affected family members (PMID: 24047924). Given the available evidence, this variant is classified as Likely Pathogenic.

Baylor Genetics
Classification: Pathogenic for Pontocerebellar hypoplasia type 6. Last evaluated: 2024-03-14. Review status: criteria provided, single submitter. Criteria: ACMG Guidelines, 2015. Collection method: clinical testing. Allele origin: unknown.

Literature cited by the submitters: PubMed 24047924 (cited by Myriad Genetics, Inc. and Natera, Inc.).